The following is an entry in ClinVar:

NM_001386094.1(AGBL1):c.3044G>C (p.Cys1015Ser)

Gene: AGBL1 (AGBL carboxypeptidase 1; plus strand). Cytogenetic location: 15q25.3.
Variant type: single nucleotide variant.
Coding change: c.3044G>C on transcript NM_001386094.1 (MANE Select); coding-DNA position 3044, G replaced by C.
Protein change: p.Cys1015Ser; replaces cysteine 1015 with serine.
Molecular consequence: missense variant.
Genome position (GRCh38, 1-based): chr15:86,674,322, G>C. VCF-style: chr15-86674322-G-C. GRCh37 (hg19) VCF-style: chr15-87217553-G-C.
Other names: C990S; c.3107G>C, p.Cys1036Ser (NM_152336.4); c.3107G>C (NM_152336.3); short protein forms C1036S, C1015S.
Identifiers: ClinVar variation 88758 (VCV000088758.25), dbSNP rs181958589, ClinGen allele CA145339.

ClinVar aggregate classification (germline): Conflicting classifications of pathogenicity. Review status: criteria provided, conflicting classifications (1 of 4 stars). 6 submissions from 6 submitters: Uncertain significance (1); Likely benign (4). 1 of the submissions does not count toward it. Last evaluated 2025-12-01.

Conditions:
Fuchs' endothelial dystrophy. Also called: Fuchs endothelial corneal dystrophy. Identifiers: Orphanet 98974, MedGen C0016781, MONDO:0005321.
AGBL1-related disorder. Also called: AGBL1-related condition.
Corneal dystrophy, Fuchs endothelial, 8 (FECD8). Identifiers: Orphanet 98974, MedGen C3809798, MONDO:0014228, OMIM 615523.

Allele frequency attached by ClinVar (database versions not stated): 1000 Genomes Project 30x 0.00016; 1000 Genomes Project 0.00020; gnomAD exomes 0.00119; gnomAD 0.00124; TOPMed 0.00130; ExAC 0.00142; ESP Exome Variant Server 0.00186.
gnomAD v4.1: 3,147 of 1,612,102 alleles (0.2%); highest among the groups gnomAD compares: Non-Finnish European, 0.24%; 6 homozygotes.

Submissions (6):

CeGaT Center for Human Genetics Tuebingen
Classification: Likely benign. Last evaluated: 2025-12-01. Review status: criteria provided, single submitter. Criteria: CeGaT Center For Human Genetics Tuebingen Variant Classification Criteria Version 2. Collection method: clinical testing. Allele origin: germline. Affected: yes. Observed: 2 variant alleles.
Comment: AGBL1: BP4, BS1

PreventionGenetics, part of Exact Sciences
Classification: Likely benign for AGBL1-related condition. Last evaluated: 2025-04-11. Review status: criteria provided, single submitter. Criteria: ACMG Guidelines, 2015. Collection method: clinical testing. Allele origin: germline.
Comment: This variant is classified as likely benign based on ACMG/AMP sequence variant interpretation guidelines (Richards et al. 2015 PMID: 25741868, with internal and published modifications).

Mendelics
Classification: Likely benign for Corneal dystrophy, Fuchs endothelial, 8. Last evaluated: 2024-10-08. Review status: criteria provided, single submitter. Criteria: Mendelics Assertion Criteria 2019. Collection method: clinical testing. Allele origin: germline.
Comment: The AGBL1 c.3044G>C (p.Cys1015Ser) variant (rs181958589) has been reported as likely benign by laboratories in ClinVar (Variation ID: 88758). GnomAD 4.1.0 frequency is 0.001952 with 6 homozygotes. This frequencyt and number of homozygotes are not compatible with a variant causing the disease.

Intergen Genetics and Rare Diseases Diagnosis Center
Classification: Likely benign for Corneal dystrophy, Fuchs endothelial, 8. Last evaluated: 2023-07-20. Review status: criteria provided, single submitter. Criteria: ACMG Guidelines, 2015. Collection method: clinical testing. Allele origin: paternal. Inheritance: Autosomal dominant inheritance. Affected: no. Observed: 1 heterozygote.

Department of Pathology and Laboratory Medicine, Sinai Health System
Classification: Uncertain significance for Fuchs' endothelial dystrophy. Last evaluated: 2022-03-06. Review status: criteria provided, single submitter. Criteria: ACMG Guidelines, 2015. Collection method: research. Allele origin: germline.

OMIM
Classification: Pathogenic for CORNEAL DYSTROPHY, FUCHS ENDOTHELIAL, 8. Last evaluated: 2013-10-03. Review status: no assertion criteria provided. Collection method: literature only. Allele origin: germline. Not counted in ClinVar's aggregate classification.

Literature cited by the submitters: PubMed 24094747 (cited by OMIM).